The following is an entry in ClinVar:

ClinVar aggregate classification (germline): Likely pathogenic (1 of 4 stars; one submission).

Conditions:
Noonan syndrome 14 (NS14). Identifiers: MedGen C5676916, MONDO:0030679, OMIM 619745.

Submission:

Kasturba Medical College, Manipal, Kasturba Medical College, Manipal, Manipal Academy of Higher Education, Manipal, India
Classification: Likely pathogenic for Noonan syndrome 14. Last evaluated: 2026-09-30. Review status: criteria provided, single submitter. Criteria: ACMG Guidelines, 2015. Collection method: research. Allele origin: biparental. Inheritance: Autosomal recessive inheritance. Affected: yes. Observed: 1 variant allele, 1 homozygote.
Comment: This variant is absent in heterozygous and/or homozygous state in population database, gnomAD (v.4.1.0) and in our in-house database of 4312 exomes.

NM_181784.3(SPRED2):c.329_330delinsT (p.Ala110fs)

Gene: SPRED2 (sprouty related EVH1 domain containing 2; minus strand). Cytogenetic location: 2p14.
Variant type: Indel.
Coding change: c.329_330delinsT on transcript NM_181784.3 (MANE Select); coding-DNA positions 329 to 330, CC replaced by T.
Protein change: p.Ala110fs; shifts the reading frame from alanine 110.
Molecular consequence: frameshift variant.
Genome position (GRCh38, 1-based): chr2:65,334,648-65,334,649, GG replaced by A on the plus strand (CC replaced by T on the coding strand, the reverse complement: SPRED2 is on the minus strand). VCF-style: chr2-65334648-GG-A. GRCh37 (hg19) VCF-style: chr2-65561782-GG-A.
Other names: c.320_321delinsT, p.Ala107fs (NM_001128210.2); short protein forms A107fs, A110fs.
Identifiers: ClinVar variation 5036880 (VCV005036880.1).
Genomic context (GRCh38, chr2:65,334,648, plus strand): 5'-AGCGACAAGTTCAATACCTTCTATAAGGTCTTCGATTGCTTTCCTTACTCCCCTGTCAAA[GG>A]CTCGGGCATCAGCAGGGCTTTGGAAAGTAAGTCCAAACTTCCTATTATCGACCTTCCAGT-3'